The following is an entry in ClinVar:

NM_001282112.2(TOP3B):c.1818G>A (p.Leu606=)

Gene: TOP3B (DNA topoisomerase III beta; minus strand). Cytogenetic location: 22q11.22.
Variant type: single nucleotide variant.
Coding change: c.1818G>A on transcript NM_001282112.2 (MANE Select); coding-DNA position 1818, G replaced by A.
Protein change: p.Leu606=; no amino-acid change (leucine 606 retained).
Molecular consequence: synonymous variant. On other transcripts: non-coding transcript variant (1).
Genome position (GRCh38, 1-based): chr22:21,959,219, C>T on the plus strand (G>A on the coding strand, the complement: TOP3B is on the minus strand). VCF-style: chr22-21959219-C-T. GRCh37 (hg19) VCF-style: chr22-22313591-C-T.
Other names: c.1818G>A, p.Leu606= (NM_001282113.2, NM_001349845.2, NM_001349847.2 and 1 more transcripts); c.1410G>A, p.Leu470= (NM_001349848.2, NM_001349850.2, NM_001349851.2 and 1 more transcripts).
Identifiers: ClinVar variation 3045705 (VCV003045705.2), dbSNP rs114332012, ClinGen allele CA10125425.

ClinVar aggregate classification (germline): Likely benign (0 of 4 stars; one submission).

Conditions:
TOP3B-related disorder. Also called: TOP3B-related condition.

Allele frequency attached by ClinVar (database versions not stated): gnomAD exomes 0.00010; ExAC 0.00026; ESP Exome Variant Server 0.00077; gnomAD 0.00091; TOPMed 0.00114; 1000 Genomes Project 0.00220; 1000 Genomes Project 30x 0.00281.
gnomAD v4.1: 302 of 1,613,014 alleles (0.019%); highest among the groups gnomAD compares: African/African-American, 0.36%; no homozygotes.

Submission:

PreventionGenetics, part of Exact Sciences
Classification: Likely benign for TOP3B-related condition. Last evaluated: 2019-11-13. Review status: no assertion criteria provided. Collection method: clinical testing. Allele origin: germline.
Comment: This variant is classified as likely benign based on ACMG/AMP sequence variant interpretation guidelines (Richards et al. 2015 PMID: 25741868, with internal and published modifications).